The following is an entry in ClinVar:

NM_018136.5(ASPM):c.2761-100_2761-97del

Gene: ASPM (assembly factor for spindle microtubules; minus strand). Cytogenetic location: 1q31.3.
Variant type: Deletion.
Coding change: c.2761-100_2761-97del on transcript NM_018136.5 (MANE Select); 100 bases into the intron before coding-DNA position 2761 through 97 bases into the intron before coding-DNA position 2761, 4 bases deleted (ATTT; older notation c.2761-100_2761-97delATTT).
Molecular consequence: intron variant.
Genome position (GRCh38, 1-based): chr1:197,128,762-197,128,765, AAAT deleted on the plus strand (ATTT on the coding strand, the reverse complement: ASPM is on the minus strand); deleting any 4 consecutive bases within chr1:197,128,762-197,128,767 gives the same sequence; the c. name uses the placement nearest the transcript's 3' end. VCF-style (leftmost placement, unchanged base first): chr1-197128761-AAAAT-A. GRCh37 (hg19) VCF-style: chr1-197097891-AAAAT-A.
Other names: c.2761-100_2761-97del (NM_001206846.2).
Identifiers: ClinVar variation 678192 (VCV000678192.1), dbSNP rs150344996, ClinGen allele CA35886268.

ClinVar aggregate classification (germline): Benign (1 of 4 stars; one submission).

Submission:

GeneDx
Classification: Benign. Last evaluated: 2018-06-14. Review status: criteria provided, single submitter. Criteria: GeneDx Variant Classification (06012015). Collection method: clinical testing. Allele origin: germline. Affected: yes.
Comment: This variant is considered likely benign or benign based on one or more of the following criteria: it is a conservative change, it occurs at a poorly conserved position in the protein, it is predicted to be benign by multiple in silico algorithms, and/or has population frequency not consistent with disease.